The following is an entry in ClinVar:

ClinVar aggregate classification (germline): Uncertain significance (0 of 4 stars; one submission).

Conditions:
ZNF335-related disorder. Also called: ZNF335-related condition.

Submission:

PreventionGenetics, part of Exact Sciences
Classification: Uncertain significance for ZNF335-related condition. Last evaluated: 2024-03-26. Review status: no assertion criteria provided. Collection method: clinical testing. Allele origin: germline.
Comment: The ZNF335 c.825_830dup6 variant is predicted to result in an in-frame duplication (p.Ala278_Ala279dup). To our knowledge, this variant has not been reported in the literature. This variant is reported in 0.0033% of alleles in individuals of South Asian descent in gnomAD. At this time, the clinical significance of this variant is uncertain due to the absence of conclusive functional and genetic evidence.

NM_022095.4(ZNF335):c.825_830dup (p.Ala279_Gly280insAlaAla)

Gene: ZNF335 (zinc finger protein 335; minus strand). Cytogenetic location: 20q13.12.
Variant type: Duplication.
Coding change: c.825_830dup on transcript NM_022095.4 (MANE Select); coding-DNA positions 825 to 830, 6 bases duplicated (CGCAGC; older notation c.825_830dupCGCAGC).
Protein change: p.Ala279_Gly280insAlaAla.
Molecular consequence: inframe insertion.
Genome position (GRCh38, 1-based): chr20:45,967,619-45,967,624, GCTGCG duplicated on the plus strand (CGCAGC on the coding strand, the reverse complement: ZNF335 is on the minus strand); duplicating any 6 consecutive bases within chr20:45,967,619-45,967,629 gives the same sequence; the c. name uses the placement nearest the transcript's 3' end. VCF-style (leftmost placement, unchanged base first): chr20-45967618-T-TGCTGCG. GRCh37 (hg19) VCF-style: chr20-44596257-T-TGCTGCG.
Identifiers: ClinVar variation 3354156 (VCV003354156.1).